The following is an entry in ClinVar:

NM_001563.4(IMPG1):c.1795C>T (p.Arg599Ter)

Gene: IMPG1 (interphotoreceptor matrix proteoglycan 1; minus strand). Cytogenetic location: 6q14.1.
Variant type: single nucleotide variant.
Coding change: c.1795C>T on transcript NM_001563.4 (MANE Select); coding-DNA position 1795, C replaced by T.
Protein change: p.Arg599Ter; replaces arginine 599 with a stop codon.
Molecular consequence: nonsense.
Genome position (GRCh38, 1-based): chr6:75,950,591, G>A on the plus strand (C>T on the coding strand, the complement: IMPG1 is on the minus strand). VCF-style: chr6-75950591-G-A. GRCh37 (hg19) VCF-style: chr6-76660308-G-A.
Other names: c.1561C>T, p.Arg521Ter (NM_001282368.2); short protein forms R521*, R599*.
Identifiers: ClinVar variation 1120101 (VCV001120101.4), dbSNP rs1335348760, ClinGen allele CA364776579.

ClinVar aggregate classification (germline): Uncertain significance (1 of 4 stars; one submission).

Allele frequency attached by ClinVar (database versions not stated): gnomAD 0.00001; gnomAD exomes 0.00001.

Submission:

Laboratory for Molecular Medicine, Mass General Brigham Personalized Medicine
Classification: Uncertain significance. Last evaluated: 2020-06-16. Review status: criteria provided, single submitter. Criteria: LMM Criteria. Collection method: clinical testing. Allele origin: germline. Observed: 1 variant allele.
Comment: Variant classified as Uncertain Significance - Favor Pathogenic. The p.Arg599X variant in IMPG1 has not been reported in individuals with vitelliform macular dystrophy but has been identified in 0.003% (1/30308) of South Asian chromosomes by gnomAD. This nonsense variant leads to a premature termination codon at position 599, which is predicted to lead to a truncated or absent protein. Although heterozygous loss-of-function (LOF) variants in IMPG1, such as this variant, are not believed to be associated with disease in autosomal dominant forms of vitelliform macular dystrophy, there some evidence that can be implicated in disease in a small number of families when present in trans with a second IMPG1 variant (Manes 2013, PMID: 23993198). In summary, while there is some suspicion for a pathogenic role, the clinical significance of this variant is uncertain. ACMG/AMP Criteria applied: PM2, PVS1_Moderate.

Literature cited by the submitters: PubMed 23993198.